The following is an entry in ClinVar:

ClinVar aggregate classification (germline): Conflicting classifications of pathogenicity. Review status: criteria provided, conflicting classifications (1 of 4 stars). 5 submissions from 5 submitters: Uncertain significance (3); Likely benign (1). 1 of the submissions does not count toward it. Last evaluated 2024-05-30.

Conditions:
Autosomal recessive limb-girdle muscular dystrophy type 2E (LGMDR4). Also called: MUSCULAR DYSTROPHY, LIMB-GIRDLE, AUTOSOMAL RECESSIVE 4. Identifiers: Orphanet 119, MedGen C1858593, MONDO:0011423, OMIM 604286. Disease mechanism: Affects gamma-sarcoglycan and also disrupts the integrity of the entire sarcoglycan complex..

Allele frequency attached by ClinVar (database versions not stated): TOPMed 0.00004; gnomAD 0.00005; gnomAD exomes 0.00005 and 0.00012; ESP Exome Variant Server 0.00008; ExAC 0.00021.

Submissions (5):

Blueprint Genetics
Classification: Likely benign. Last evaluated: 2024-05-30. Review status: criteria provided, single submitter. Criteria: ACMG Guidelines, 2015. Collection method: clinical testing. Allele origin: germline.

Labcorp Genetics (formerly Invitae), Labcorp
Classification: Uncertain significance for Autosomal recessive limb-girdle muscular dystrophy type 2E. Last evaluated: 2021-08-31. Review status: criteria provided, single submitter. Criteria: Invitae Variant Classification Sherloc (09022015). Collection method: clinical testing. Allele origin: germline.
Comment: This sequence change replaces aspartic acid with asparagine at codon 281 of the SGCB protein (p.Asp281Asn). The aspartic acid residue is weakly conserved and there is a small physicochemical difference between aspartic acid and asparagine. This variant is present in population databases (rs374923265, ExAC 0.04%). This missense change has been observed in individual(s) with limb-girdle muscular dystrophy (PMID: 28687063). ClinVar contains an entry for this variant (Variation ID: 502151). Algorithms developed to predict the effect of missense changes on protein structure and function output the following: SIFT: "Tolerated"; PolyPhen-2: "Benign"; Align-GVGD: "Class C0". The asparagine amino acid residue is found in multiple mammalian species, which suggests that this missense change does not adversely affect protein function. In summary, the available evidence is currently insufficient to determine the role of this variant in disease. Therefore, it has been classified as a Variant of Uncertain Significance.

Mayo Clinic Laboratories, Mayo Clinic
Classification: Uncertain significance. Last evaluated: 2019-12-16. Review status: criteria provided, single submitter. Criteria: ACMG Guidelines, 2015. Collection method: clinical testing. Allele origin: germline. Observed: 1 variant allele.

Eurofins Ntd Llc (ga)
Classification: Uncertain significance. Last evaluated: 2017-05-23. Review status: criteria provided, single submitter. Criteria: EGL Classification Definitions 2015. Collection method: clinical testing. Allele origin: germline. Observed: 1 variant allele, 1 heterozygote.

Natera, Inc.
Classification: Uncertain significance for Limb-girdle muscular dystrophy type 2E. Last evaluated: 2020-03-19. Review status: no assertion criteria provided. Collection method: clinical testing. Allele origin: germline. Not counted in ClinVar's aggregate classification.

Literature cited by the submitters: PubMed 28687063 (cited by Labcorp Genetics (formerly Invitae), Labcorp).

NM_000232.5(SGCB):c.841G>A (p.Asp281Asn)

Gene: SGCB (sarcoglycan beta; minus strand). Cytogenetic location: 4q12.
Variant type: single nucleotide variant.
Coding change: c.841G>A on transcript NM_000232.5 (MANE Select); coding-DNA position 841, G replaced by A.
Protein change: p.Asp281Asn; replaces aspartic acid 281 with asparagine.
Molecular consequence: missense variant.
Genome position (GRCh38, 1-based): chr4:52,024,073, C>T on the plus strand (G>A on the coding strand, the complement: SGCB is on the minus strand). VCF-style: chr4-52024073-C-T. GRCh37 (hg19) VCF-style: chr4-52890239-C-T.
Other names: short protein forms D281N.
Identifiers: ClinVar variation 502151 (VCV000502151.15), dbSNP rs374923265, ClinGen allele CA2918261.